The following is an entry in ClinVar:

ClinVar aggregate classification (germline): Benign/Likely benign. Review status: criteria provided, multiple submitters, no conflicts (2 of 4 stars). 3 submissions from 3 submitters: Benign (1); Likely benign (2). Last evaluated 2025-02-18.

Conditions:
Breast-ovarian cancer, familial, susceptibility to, 3. Also called: RAD51C-Related Breast/Ovarian Cancer. Identifiers: Orphanet 145, MedGen C3150659, MONDO:0013253, OMIM 613399.
Hereditary cancer-predisposing syndrome. Also called: Tumor predisposition; Neoplastic Syndromes, Hereditary; Hereditary Cancer Syndrome; Hereditary neoplastic syndrome. Identifiers: Orphanet 140162, MedGen C0027672, MeSH D009386, MONDO:0015356.
Fanconi anemia complementation group O. Also called: RAD51C-Related Fanconi Anemia. Identifiers: Orphanet 84, MedGen C3150653, MONDO:0013248, OMIM 613390.

Submissions (3):

Myriad Genetics, Inc.
Classification: Benign for Breast-ovarian cancer, familial, susceptibility to, 3. Last evaluated: 2025-02-18. Review status: criteria provided, single submitter. Criteria: Myriad Autosomal Dominant, Autosomal Recessive and X-Linked Classification Criteria (2023). Collection method: clinical testing. Allele origin: unknown.
Comment: This variant is considered benign. This variant is a silent/synonymous amino acid change and it is not expected to impact splicing.

Ambry Genetics
Classification: Likely benign for Hereditary cancer-predisposing syndrome. Last evaluated: 2024-11-18. Review status: criteria provided, single submitter. Criteria: Ambry Variant Classification Scheme 2023. Collection method: clinical testing. Allele origin: germline.

Labcorp Genetics (formerly Invitae), Labcorp
Classification: Likely benign for Fanconi anemia complementation group O. Last evaluated: 2023-06-30. Review status: criteria provided, single submitter. Criteria: Invitae Variant Classification Sherloc (09022015). Collection method: clinical testing. Allele origin: germline.

NM_058216.3(RAD51C):c.658C>T (p.Leu220=)

Genes: RAD51C (RAD51 paralog C; plus strand), LOC129390903 (MPRA-validated peak2919 silencer; plus strand). Cytogenetic location: 17q22.
Variant type: single nucleotide variant.
Coding change: c.658C>T on transcript NM_058216.3 (MANE Select); coding-DNA position 658, C replaced by T.
Protein change: p.Leu220=; no amino-acid change (leucine 220 retained).
Molecular consequence: synonymous variant. On other transcripts: non-coding transcript variant (1).
Genome position (GRCh38, 1-based): chr17:58,703,282, C>T. VCF-style: chr17-58703282-C-T. GRCh37 (hg19) VCF-style: chr17-56780643-C-T.
Other names: c.658C>T (NM_058216.1).
Identifiers: ClinVar variation 487203 (VCV000487203.14), dbSNP rs1555597205, ClinGen allele CA501075235.